The following is an entry in ClinVar:

ClinVar aggregate classification (germline): Conflicting classifications of pathogenicity. Review status: criteria provided, conflicting classifications (1 of 4 stars). 4 submissions from 4 submitters: Uncertain significance (1); Likely benign (3). Last evaluated 2026-01-16.

Conditions:
DHCR7-related disorder. Also called: DHCR7-related condition.
Smith-Lemli-Opitz syndrome (SLOS). Also called: POLYDACTYLY, SEX REVERSAL, RENAL HYPOPLASIA, AND UNILOBAR LUNG; RSH SYNDROME; RUTLEDGE LETHAL MULTIPLE CONGENITAL ANOMALY SYNDROME; LETHAL ACRODYSGENITAL SYNDROME; 7-Dehydrocholesterol reductase deficiency. Identifiers: Orphanet 818, MedGen C0175694, MONDO:0010035, OMIM 270400.

Allele frequency attached by ClinVar (database versions not stated): gnomAD 0.00007; TOPMed 0.00007; ESP Exome Variant Server 0.00008.
gnomAD v4.1: 227 of 1,598,250 alleles (0.014%); highest among the groups gnomAD compares: Non-Finnish European, 0.018%; no homozygotes.

Submissions (4):

PreventionGenetics, part of Exact Sciences
Classification: Likely benign for DHCR7-related condition. Last evaluated: 2026-01-16. Review status: criteria provided, single submitter. Criteria: ACMG Guidelines, 2015. Collection method: clinical testing. Allele origin: germline.
Comment: This variant is classified as likely benign based on ACMG/AMP sequence variant interpretation guidelines (Richards et al. 2015 PMID: 25741868, with internal and published modifications).

Labcorp Genetics (formerly Invitae), Labcorp
Classification: Likely benign for Smith-Lemli-Opitz syndrome. Last evaluated: 2025-12-03. Review status: criteria provided, single submitter. Criteria: Invitae Variant Classification Sherloc (09022015). Collection method: clinical testing. Allele origin: germline.

Blueprint Genetics
Classification: Likely benign. Last evaluated: 2023-09-09. Review status: criteria provided, single submitter. Criteria: ACMG Guidelines, 2015. Collection method: clinical testing. Allele origin: germline.

Eurofins Ntd Llc (ga)
Classification: Uncertain significance. Last evaluated: 2018-08-13. Review status: criteria provided, single submitter. Criteria: EGL ClinVar v180209 classification definitions. Collection method: clinical testing. Allele origin: germline. Observed: 2 variant alleles, 2 heterozygotes.

NM_001360.3(DHCR7):c.123G>A (p.Ala41=)

Gene: DHCR7 (7-dehydrocholesterol reductase; minus strand). Cytogenetic location: 11q13.4.
Variant type: single nucleotide variant.
Coding change: c.123G>A on transcript NM_001360.3 (MANE Select); coding-DNA position 123, G replaced by A.
Protein change: p.Ala41=; no amino-acid change (alanine 41 retained).
Molecular consequence: synonymous variant.
Genome position (GRCh38, 1-based): chr11:71,444,191, C>T on the plus strand (G>A on the coding strand, the complement: DHCR7 is on the minus strand). VCF-style: chr11-71444191-C-T. GRCh37 (hg19) VCF-style: chr11-71155237-C-T.
Other names: c.123G>A, p.Ala41= (NM_001163817.2); c.123G>A (NM_001360.2).
Identifiers: ClinVar variation 498417 (VCV000498417.15), dbSNP rs376263149, ClinGen allele CA6162684.
Genomic context (GRCh38, chr11:71,444,191, plus strand): 5'-ACAAGCCATGATGAAGTAGTAGACGATGAAGGGGGCGAACAGCAGTAGGAAGATGACGCT[C>T]GCCAGTGAAAACCAGTCCACCTCCCTGCGAGGACGGATGCAGGCAGTCACACTGGGGCCC-3'
Protein context (NP_001351.2, residues 31-51): RAWEVDWFSL[Ala41=]SVIFLLLFAP